The following is an entry in ClinVar:

ClinVar aggregate classification (germline): Uncertain significance (1 of 4 stars; one submission).

Conditions:
REEP1-related disorder. Also called: REEP1-related condition.

gnomAD v4.1: 19 of 1,537,116 alleles (0.0012%); highest among the groups gnomAD compares: Admixed American, 0.024%; no homozygotes.

Submission:

PreventionGenetics, part of Exact Sciences
Classification: Uncertain significance for REEP1-related condition. Last evaluated: 2026-04-07. Review status: criteria provided, single submitter. Criteria: ACMG Guidelines, 2015. Collection method: clinical testing. Allele origin: germline.
Comment: The REEP1 c.22G>C variant is predicted to result in the amino acid substitution p.Gly8Arg. To our knowledge, this variant has not been reported in the literature. This variant is reported in 0.035% of alleles in individuals of Latino descent in gnomAD. At this time, the clinical significance of this variant is uncertain due to the absence of conclusive functional and genetic evidence.

NM_001164730.2(REEP1):c.22G>C (p.Gly8Arg)

Gene: REEP1 (receptor accessory protein 1; minus strand). Cytogenetic location: 2p11.2.
Variant type: single nucleotide variant.
Coding change: c.22G>C on transcript NM_001164730.2; coding-DNA position 22, G replaced by C.
Protein change: p.Gly8Arg; replaces glycine 8 with arginine.
Molecular consequence: missense variant.
Genome position (GRCh38, 1-based): chr2:86,338,055, C>G on the plus strand (G>C on the coding strand, the complement: REEP1 is on the minus strand). VCF-style: chr2-86338055-C-G. GRCh37 (hg19) VCF-style: chr2-86565178-C-G.
Other names: short protein forms G8R.
Identifiers: ClinVar variation 4991432 (VCV004991432.1).